The following is an entry in ClinVar:

ClinVar aggregate classification (germline): Uncertain significance (1 of 4 stars; one submission).

Conditions:
Ullrich congenital muscular dystrophy 2 (UCMD2). Identifiers: Orphanet 75840, MedGen C4225314, MONDO:0014654, OMIM 616470.
Bethlem myopathy 2 (BTHLM2). Identifiers: Orphanet 536516, Orphanet 610, MedGen C4225313, MONDO:0034022, OMIM 616471.

Submission:

Labcorp Genetics (formerly Invitae), Labcorp
Classification: Uncertain significance for Bethlem myopathy 2; Ullrich congenital muscular dystrophy 2. Last evaluated: 2023-08-25. Review status: criteria provided, single submitter. Criteria: Invitae Variant Classification Sherloc (09022015). Collection method: clinical testing. Allele origin: germline.
Comment: In summary, the available evidence is currently insufficient to determine the role of this variant in disease. Therefore, it has been classified as a Variant of Uncertain Significance. This sequence change replaces glutamine, which is neutral and polar, with arginine, which is basic and polar, at codon 966 of the COL12A1 protein (p.Gln966Arg). This variant is not present in population databases (gnomAD no frequency). This variant has not been reported in the literature in individuals affected with COL12A1-related conditions. Advanced modeling of protein sequence and biophysical properties (such as structural, functional, and spatial information, amino acid conservation, physicochemical variation, residue mobility, and thermodynamic stability) performed at Invitae indicates that this missense variant is not expected to disrupt COL12A1 protein function.

NM_004370.6(COL12A1):c.2897A>G (p.Gln966Arg)

Gene: COL12A1 (collagen type XII alpha 1 chain; minus strand). Cytogenetic location: 6q13.
Variant type: single nucleotide variant.
Coding change: c.2897A>G on transcript NM_004370.6 (MANE Select); coding-DNA position 2897, A replaced by G.
Protein change: p.Gln966Arg; replaces glutamine 966 with arginine.
Molecular consequence: missense variant. On other transcripts: intron variant (2).
Genome position (GRCh38, 1-based): chr6:75,165,593, T>C on the plus strand (A>G on the coding strand, the complement: COL12A1 is on the minus strand). VCF-style: chr6-75165593-T-C. GRCh37 (hg19) VCF-style: chr6-75875309-T-C.
Other names: c.2897A>G, p.Gln966Arg (NM_001424113.1, NM_001424114.1); c.2624A>G, p.Gln875Arg (NM_001424115.1); c.74-13111A>G (NM_001424116.1, NM_080645.3); short protein forms Q875R, Q966R.
Identifiers: ClinVar variation 2951276 (VCV002951276.3), dbSNP rs2533469802, ClinGen allele CA364757835.